The following is an entry in ClinVar:

NM_001256789.3(CACNA1F):c.992G>C (p.Gly331Ala)

Gene: CACNA1F (calcium voltage-gated channel subunit alpha1 F; minus strand). Cytogenetic location: Xp11.23.
Variant type: single nucleotide variant.
Coding change: c.992G>C on transcript NM_001256789.3 (MANE Select); coding-DNA position 992, G replaced by C.
Protein change: p.Gly331Ala; replaces glycine 331 with alanine.
Molecular consequence: missense variant.
Genome position (GRCh38, 1-based): chrX:49,228,273, C>G on the plus strand (G>C on the coding strand, the complement: CACNA1F is on the minus strand). VCF-style: chrX-49228273-C-G. GRCh37 (hg19) VCF-style: chrX-49084735-C-G.
Other names: c.797G>C, p.Gly266Ala (NM_001256790.3); c.992G>C, p.Gly331Ala (NM_005183.4); short protein forms G266A, G331A.
Identifiers: ClinVar variation 1490726 (VCV001490726.6), dbSNP rs782295388, ClinGen allele CA10410980.
Genomic context (GRCh38, chrX:49,228,273, plus strand): 5'-GTGCAGCCTTTGAGCTCTGTGCCCACAGTCCACCTCACCCAGTAGAGCACATCGGTCCAG[C>G]CTTCCATGGTGACACACTGGAAGACTGTCAGCATGGCGAAGAAGAAGTTGTCAAAGTTGG-3'
Protein context (NP_001243718.1, residues 321-341): LTVFQCVTME[Gly331Ala]WTDVLYWMQD

ClinVar aggregate classification (germline): Uncertain significance (1 of 4 stars; one submission).

Allele frequency attached by ClinVar (database versions not stated): ExAC 0.00001; gnomAD exomes 0.00001; TOPMed 0.00002; gnomAD 0.00005.
gnomAD v4.1: 20 of 1,210,430 alleles (0.0017%); highest among the groups gnomAD compares: African/African-American, 0.012%; no homozygotes.

Submission:

Labcorp Genetics (formerly Invitae), Labcorp
Classification: Uncertain significance. Last evaluated: 2022-03-02. Review status: criteria provided, single submitter. Criteria: Invitae Variant Classification Sherloc (09022015). Collection method: clinical testing. Allele origin: germline.
Comment: This sequence change replaces glycine, which is neutral and non-polar, with alanine, which is neutral and non-polar, at codon 331 of the CACNA1F protein (p.Gly331Ala). This variant is present in population databases (rs782295388, gnomAD 0.02%). This variant has not been reported in the literature in individuals affected with CACNA1F-related conditions. Algorithms developed to predict the effect of missense changes on protein structure and function (SIFT, PolyPhen-2, Align-GVGD) all suggest that this variant is likely to be disruptive. In summary, the available evidence is currently insufficient to determine the role of this variant in disease. Therefore, it has been classified as a Variant of Uncertain Significance.